The following is an entry in ClinVar:

NM_001846.4(COL4A2):c.1736G>A (p.Arg579His)

Genes: COL4A2 (collagen type IV alpha 2 chain; plus strand), COL4A2-AS2 (COL4A2 antisense RNA 2; minus strand). Cytogenetic location: 13q34.
Variant type: single nucleotide variant.
Coding change: c.1736G>A on transcript NM_001846.4 (MANE Select); coding-DNA position 1736, G replaced by A.
Protein change: p.Arg579His; replaces arginine 579 with histidine.
Molecular consequence: missense variant.
Genome position (GRCh38, 1-based): chr13:110,462,344, G>A. VCF-style: chr13-110462344-G-A. GRCh37 (hg19) VCF-style: chr13-111114691-G-A.
Other names: short protein forms R579H.
Identifiers: ClinVar variation 2182779 (VCV002182779.4), dbSNP rs777360782, ClinGen allele CA7049688.

ClinVar aggregate classification (germline): Uncertain significance (1 of 4 stars; one submission).

Allele frequency attached by ClinVar (database versions not stated): gnomAD 0.00003; TOPMed 0.00003.
gnomAD v4.1: 35 of 1,613,888 alleles (0.0022%); highest among the groups gnomAD compares: Middle Eastern, 0.016%; no homozygotes.

Submission:

Labcorp Genetics (formerly Invitae), Labcorp
Classification: Uncertain significance. Last evaluated: 2025-08-17. Review status: criteria provided, single submitter. Criteria: Invitae Variant Classification Sherloc (09022015). Collection method: clinical testing. Allele origin: germline.
Comment: This sequence change replaces arginine, which is basic and polar, with histidine, which is basic and polar, at codon 579 of the COL4A2 protein (p.Arg579His). This variant is present in population databases (rs777360782, gnomAD 0.005%). This variant has not been reported in the literature in individuals affected with COL4A2-related conditions. ClinVar contains an entry for this variant (Variation ID: 2182779). Invitae Evidence Modeling of protein sequence and biophysical properties (such as structural, functional, and spatial information, amino acid conservation, physicochemical variation, residue mobility, and thermodynamic stability) indicates that this missense variant is not expected to disrupt COL4A2 protein function with a negative predictive value of 95%. In summary, the available evidence is currently insufficient to determine the role of this variant in disease. Therefore, it has been classified as a Variant of Uncertain Significance.